The following is an entry in ClinVar:

ClinVar aggregate classification (germline): Likely pathogenic. Review status: criteria provided, multiple submitters, no conflicts (2 of 4 stars). 2 submissions from 2 submitters: Likely pathogenic (2). Last evaluated 2024-01-25.

Conditions:
Inborn genetic diseases. Identifiers: MedGen C0950123, MeSH D030342.
Familial hemiplegic migraine. Identifiers: MedGen C0338484, MONDO:0000700.

Submissions (2):

Ambry Genetics
Classification: Likely pathogenic for Inborn genetic diseases. Last evaluated: 2024-01-25. Review status: criteria provided, single submitter. Criteria: Ambry Variant Classification Scheme 2023. Collection method: clinical testing. Allele origin: germline.
Comment: The c.913_915delTTC (p.F305del) alteration, located in coding exon 8 of the ATP1A2 gene, results from an in-frame TTC deletion at nucleotide positions c.913 to c.915. This results in the deletion of a Phenylalanine residue at codon 305. Based on the available evidence, the ATP1A2 c.913_915delTTC (p.F305del) alteration is classified as likely pathogenic for autosomal dominant ATP1A2-related neurologic disorders; however, its clinical significance for autosomal recessive ATP1A2-related cortical malformation syndrome is uncertain. This variant was not reported in population-based cohorts in the Genome Aggregation Database (gnomAD). This variant was reported as a de novo occurrence in one individual with features of ATP1A2-related hemiplegic migraine, as well as detected in the heterozygous state in another individual and in two families with hemiplegic migraine (Riant, 2010; external communication). This amino acid position is highly conserved in available vertebrate species. Based on internal structural analysis, p.F305del is deleterious. This alteration is predicted to be deleterious by in silico analysis (Choi, 2012). Based on the available evidence, this alteration is classified as likely pathogenic.

Labcorp Genetics (formerly Invitae), Labcorp
Classification: Likely pathogenic for Familial hemiplegic migraine. Last evaluated: 2022-09-24. Review status: criteria provided, single submitter. Criteria: Invitae Variant Classification Sherloc (09022015). Collection method: clinical testing. Allele origin: germline.
Comment: This variant, c.913_915del, results in the deletion of 1 amino acid(s) of the ATP1A2 protein (p.Phe305del), but otherwise preserves the integrity of the reading frame. This variant is not present in population databases (gnomAD no frequency). This variant has been observed in individual(s) with familial hemiplegic migraine (PMID: 20837964). In at least one individual the variant was observed to be de novo. In summary, the currently available evidence indicates that the variant is pathogenic, but additional data are needed to prove that conclusively. Therefore, this variant has been classified as Likely Pathogenic.

Literature cited by the submitters: PubMed 20837964 (cited by Ambry Genetics and Labcorp Genetics (formerly Invitae), Labcorp).

NM_000702.4(ATP1A2):c.910TTC[1] (p.Phe305del)

Gene: ATP1A2 (ATPase Na+/K+ transporting subunit alpha 2; plus strand). Cytogenetic location: 1q23.2.
Variant type: Microsatellite.
Coding change: c.910TTC[1] on transcript NM_000702.4 (MANE Select); one copy of the 3-base unit TTC starting at c.910; the reference has two copies in a row; one copy, 3 bases deleted.
Protein change: p.Phe305del; deletes phenylalanine 305.
Molecular consequence: inframe deletion. On other transcripts: inframe indel (1).
Genome position (GRCh38, 1-based): chr1:160,127,716-160,127,718, TTC deleted; deleting any 3 consecutive bases within chr1:160,127,712-160,127,718 gives the same sequence; the position shown is the placement nearest the transcript's 3' end. VCF-style (leftmost placement, unchanged base first): chr1-160127711-CCTT-C. GRCh37 (hg19) VCF-style: chr1-160097501-CCTT-C.
Other names: c.910_912TTC[1], p.Phe305del (NM_000702.3); c.913_915delTTC (NM_000702.3); short protein forms F305del.
Identifiers: ClinVar variation 2202867 (VCV002202867.5), dbSNP rs2524865483, ClinGen allele CA2580611206.